The following is an entry in ClinVar:

NM_016180.5(SLC45A2):c.469G>A (p.Asp157Asn)

Gene: SLC45A2 (solute carrier family 45 member 2; minus strand). Cytogenetic location: 5p13.2.
Variant type: single nucleotide variant.
Coding change: c.469G>A on transcript NM_016180.5 (MANE Select); coding-DNA position 469, G replaced by A.
Protein change: p.Asp157Asn; replaces aspartic acid 157 with asparagine.
Molecular consequence: missense variant.
Genome position (GRCh38, 1-based): chr5:33,982,329, C>T on the plus strand (G>A on the coding strand, the complement: SLC45A2 is on the minus strand). VCF-style: chr5-33982329-C-T. GRCh37 (hg19) VCF-style: chr5-33982434-C-T.
Other names: c.469G>A (NM_016180.3); c.469G>A, p.Asp157Asn (NM_001012509.4, NM_001297417.4); short protein forms D157N.
Identifiers: ClinVar variation 4503 (VCV000004503.14), dbSNP rs121912621, ClinGen allele CA253181.
Genomic context (GRCh38, chr5:33,982,329, plus strand): 5'-CCTTGTCCTGATGGGAGCAGACATCAAATAAGTAGGCTTTGATGGGCCCATCAATGAAGT[C>T]GGCAGCAAAATCAAAGAGAACGACACCTATCATGGTGACACTTATGGCCCAAACCAGCTT-3'
Protein context (NP_057264.4, residues 147-167): IGVVLFDFAA[Asp157Asn]FIDGPIKAYL

ClinVar aggregate classification (germline): Pathogenic. Review status: criteria provided, multiple submitters, no conflicts (2 of 4 stars). 5 submissions from 5 submitters: Pathogenic (3). 2 of the submissions do not count toward it. Last evaluated 2025-02-20.

Conditions:
Oculocutaneous albinism type 4 (OCA4). Also called: Albinism, oculocutaneous, type IV. Identifiers: Orphanet 79435, MedGen C1847836, MONDO:0011683, OMIM 606574.

Allele frequency attached by ClinVar (database versions not stated): gnomAD exomes below 0.00001; TOPMed 0.00001.

Submissions (5):

Labcorp Genetics (formerly Invitae), Labcorp
Classification: Pathogenic. Last evaluated: 2025-02-20. Review status: criteria provided, single submitter. Criteria: Invitae Variant Classification Sherloc (09022015). Collection method: clinical testing. Allele origin: germline.
Comment: This sequence change replaces aspartic acid, which is acidic and polar, with asparagine, which is neutral and polar, at codon 157 of the SLC45A2 protein (p.Asp157Asn). This variant is present in population databases (rs121912621, gnomAD 0.01%). This missense change has been observed in individual(s) with oculocutaneous albinism (PMID: 14961451). In at least one individual the data is consistent with being in trans (on the opposite chromosome) from a pathogenic variant. ClinVar contains an entry for this variant (Variation ID: 4503). Invitae Evidence Modeling of protein sequence and biophysical properties (such as structural, functional, and spatial information, amino acid conservation, physicochemical variation, residue mobility, and thermodynamic stability) indicates that this missense variant is not expected to disrupt SLC45A2 protein function with a negative predictive value of 80%. Experimental studies have shown that this missense change affects SLC45A2 function (PMID: 19220778). For these reasons, this variant has been classified as Pathogenic.

Women's Health and Genetics/Laboratory Corporation of America, LabCorp
Classification: Pathogenic for Oculocutaneous albinism type 4. Last evaluated: 2025-01-08. Review status: criteria provided, single submitter. Criteria: LabCorp Variant Classification Summary - May 2015. Collection method: clinical testing. Allele origin: germline.
Comment: Variant summary: SLC45A2 c.469G>A (p.Asp157Asn) results in a conservative amino acid change in the encoded protein sequence. Three of five in-silico tools predict a damaging effect of the variant on protein function. The variant allele was found at a frequency of 4e-06 in 251482 control chromosomes. c.469G>A has been reported in the literature in multiple homozygous and compound heterozygous individuals affected with Oculocutaneous albinism type 4 (e.g. Inagaki_2004). These data indicate that the variant is very likely to be associated with disease. The following publication has been ascertained in the context of this evaluation (PMID: 14961451). ClinVar contains an entry for this variant (Variation ID: 4503). Based on the evidence outlined above, the variant was classified as pathogenic.

Revvity Omics, Revvity
Classification: Pathogenic. Last evaluated: 2021-04-19. Review status: criteria provided, single submitter. Criteria: ACMG Guidelines, 2015. Collection method: clinical testing. Allele origin: germline.

OMIM
Classification: Pathogenic for OCULOCUTANEOUS ALBINISM, TYPE IV. Last evaluated: 2005-10-01. Review status: no assertion criteria provided. Collection method: literature only. Allele origin: germline. Not counted in ClinVar's aggregate classification.

GeneReviews
No classification provided. Condition: Oculocutaneous albinism type 4. Review status: no classification provided. Collection method: literature only. Allele origin: germline. Not counted in ClinVar's aggregate classification.

Literature cited by the submitters: PubMed 14961451 (cited by 3 submitters); PubMed 19220778 (cited by Labcorp Genetics (formerly Invitae), Labcorp); PubMed 16162179 (cited by OMIM); NCBI Bookshelf NBK1510 (cited by GeneReviews).